The following is an entry in ClinVar:

ClinVar aggregate classification (germline): Uncertain significance. Review status: criteria provided, multiple submitters, no conflicts (2 of 4 stars). 2 submissions from 2 submitters: Uncertain significance (2). Last evaluated 2024-04-26.

Conditions:
Inborn genetic diseases. Identifiers: MedGen C0950123, MeSH D030342.

Allele frequency attached by ClinVar (database versions not stated): ExAC 0.00001; gnomAD exomes 0.00001; TOPMed 0.00002.
gnomAD v4.1: 14 of 1,610,252 alleles (0.00087%); highest among the groups gnomAD compares: East Asian, 0.0022%; no homozygotes.

Submissions (2):

Labcorp Genetics (formerly Invitae), Labcorp
Classification: Uncertain significance. Last evaluated: 2024-04-26. Review status: criteria provided, single submitter. Criteria: Invitae Variant Classification Sherloc (09022015). Collection method: clinical testing. Allele origin: germline.
Comment: This sequence change replaces proline, which is neutral and non-polar, with leucine, which is neutral and non-polar, at codon 948 of the LONP1 protein (p.Pro948Leu). This variant is present in population databases (rs781191991, gnomAD 0.003%). This variant has not been reported in the literature in individuals affected with LONP1-related conditions. ClinVar contains an entry for this variant (Variation ID: 2225227). Advanced modeling of protein sequence and biophysical properties (such as structural, functional, and spatial information, amino acid conservation, physicochemical variation, residue mobility, and thermodynamic stability) performed at Invitae indicates that this missense variant is not expected to disrupt LONP1 protein function with a negative predictive value of 80%. In summary, the available evidence is currently insufficient to determine the role of this variant in disease. Therefore, it has been classified as a Variant of Uncertain Significance.

Ambry Genetics
Classification: Uncertain significance for Inborn genetic diseases. Last evaluated: 2022-12-16. Review status: criteria provided, single submitter. Criteria: Ambry Variant Classification Scheme 2023. Collection method: clinical testing. Allele origin: germline.

NM_004793.4(LONP1):c.2843C>T (p.Pro948Leu)

Gene: LONP1 (lon peptidase 1, mitochondrial; minus strand). Cytogenetic location: 19p13.3.
Variant type: single nucleotide variant.
Coding change: c.2843C>T on transcript NM_004793.4 (MANE Select); coding-DNA position 2843, C replaced by T.
Protein change: p.Pro948Leu; replaces proline 948 with leucine.
Molecular consequence: missense variant. On other transcripts: non-coding transcript variant (1).
Genome position (GRCh38, 1-based): chr19:5,692,069, G>A on the plus strand (C>T on the coding strand, the complement: LONP1 is on the minus strand). VCF-style: chr19-5692069-G-A. GRCh37 (hg19) VCF-style: chr19-5692080-G-A.
Other names: c.2651C>T, p.Pro884Leu (NM_001276479.2); c.2255C>T, p.Pro752Leu (NM_001276480.1); short protein forms P884L, P752L, P948L.
Identifiers: ClinVar variation 2225227 (VCV002225227.4), dbSNP rs781191991, ClinGen allele CA9113934.
Genomic context (GRCh38, chr19:5,692,069, plus strand): 5'-CGCCTGCAGTCCCGGGGTGGCCGTCACCGTTCCACGGCCAGCGCCTCTGCCTGCTCGTCC[G>A]GGAAGGCGATGTCGAAGATCTCCCGGTAGTGTTCCACGAAGTGCACCTCCAGGCCCTCGG-3'
Protein context (NP_004784.2, residues 938-958): HYREIFDIAF[Pro948Leu]DEQAEALAVE